The following is an entry in ClinVar:

ClinVar aggregate classification (germline): Pathogenic. Review status: criteria provided, multiple submitters, no conflicts (2 of 4 stars). 3 submissions from 3 submitters: Pathogenic (3). Last evaluated 2025-11-09.

Conditions:
SOX9-related disorder. Also called: SOX9-related condition.
Camptomelic dysplasia (CMPD). Also called: CMPD1/SRA1; Campomelic Dysplasia. Identifiers: Orphanet 140, MedGen C1861922, MONDO:0007251, OMIM 114290.

Submissions (3):

PreventionGenetics, part of Exact Sciences
Classification: Pathogenic for SOX9-related condition. Last evaluated: 2025-11-09. Review status: criteria provided, single submitter. Criteria: ACMG Guidelines, 2015. Collection method: clinical testing. Allele origin: germline.
Comment: The SOX9 c.442G>T variant is predicted to result in premature protein termination (p.Glu148*). This variant has been reported in an individual with campomelic dysplasia (Wagner et al. 1994. PubMed ID: 8001137). This variant has not been reported in a large population database (gnomAD), indicating this variant is rare. Nonsense variants in SOX9 are expected to be pathogenic. This variant is interpreted as pathogenic.

3billion
Classification: Pathogenic for Camptomelic dysplasia. Last evaluated: 2023-12-18. Review status: criteria provided, single submitter. Criteria: ACMG Guidelines, 2015. Collection method: clinical testing. Allele origin: germline. Affected: yes.
Comment: The variant is not observed in the gnomAD v2.1.1 dataset. Predicted Consequence/Location: Stop-gained (nonsense): predicted to result in a loss or disruption of normal protein function through nonsense-mediated decay (NMD) or protein truncation. Multiple pathogenic variants are reported downstream of the variant. The variant has been reported to be associated with SOX9 related disorder (ClinVar ID: VCV000279897 /PMID: 8001137). Therefore, this variant is classified as Pathogenic according to the recommendation of ACMG/AMP guideline.

GeneDx
Classification: Pathogenic. Last evaluated: 2016-05-09. Review status: criteria provided, single submitter. Criteria: GeneDx Variant Classification (06012015). Collection method: clinical testing. Allele origin: germline. Affected: yes.
Comment: The E148X nonsense variant in the SOX9 gene has been reported previously in association with campomelic dysplasia (Wagner et al., 1994, Wada et al., 2009). This variant is predicted to cause loss of normal protein function either through protein truncation or nonsense-mediated mRNA decay. E148X was not observed in approximately 6500 individuals of European and African American ancestry in the NHLBI Exome Sequencing Project, indicating it is not a common benign variant in these populations. Nonsense variants in nearby residues (Glu150Term, Lys151Term) have been reported in the Human Gene Mutation Database in association with campomelic dysplasia (Stenson et al., 2014), supporting the functional importance of this protein. We interpret E148X as a pathogenic variant.

Literature cited by the submitters: PubMed 8001137 (cited by 3billion).

NM_000346.4(SOX9):c.442G>T (p.Glu148Ter)

Gene: SOX9 (SRY-box transcription factor 9; plus strand). Cytogenetic location: 17q24.3.
Variant type: single nucleotide variant.
Coding change: c.442G>T on transcript NM_000346.4 (MANE Select); coding-DNA position 442, G replaced by T.
Protein change: p.Glu148Ter; replaces glutamic acid 148 with a stop codon.
Molecular consequence: nonsense.
Genome position (GRCh38, 1-based): chr17:72,122,729, G>T. VCF-style: chr17-72122729-G-T. GRCh37 (hg19) VCF-style: chr17-70118870-G-T.
Other names: short protein forms E148*.
Identifiers: ClinVar variation 279897 (VCV000279897.4), dbSNP rs886041242, ClinGen allele CA10603321.